The following is an entry in ClinVar:

NM_006231.4(POLE):c.3942del (p.Leu1315fs)

Gene: POLE (DNA polymerase epsilon, catalytic subunit; minus strand). Cytogenetic location: 12q24.33.
Variant type: Deletion.
Coding change: c.3942del on transcript NM_006231.4 (MANE Select); coding-DNA position 3942, one base deleted (G; older notation c.3942delG).
Protein change: p.Leu1315fs; shifts the reading frame from leucine 1315.
Molecular consequence: frameshift variant.
Genome position (GRCh38, 1-based): chr12:132,649,369, C deleted on the plus strand (G on the coding strand, the reverse complement: POLE is on the minus strand); the first of 4 consecutive C bases (chr12:132,649,369-132,649,372); deleting any one gives the same sequence. VCF-style (leftmost placement, unchanged base first): chr12-132649368-GC-G. GRCh37 (hg19) VCF-style: chr12-133225954-GC-G.
Other names: short protein forms L1315fs.
Identifiers: ClinVar variation 486105 (VCV000486105.6), dbSNP rs1555223939, ClinGen allele CA658658184.

ClinVar aggregate classification (germline): Uncertain significance (1 of 4 stars; one submission).

Conditions:
Hereditary cancer-predisposing syndrome. Also called: Tumor predisposition; Hereditary Cancer Syndrome; Neoplastic Syndromes, Hereditary; Hereditary neoplastic syndrome. Identifiers: Orphanet 140162, MedGen C0027672, MeSH D009386, MONDO:0015356.

Submission:

Ambry Genetics
Classification: Uncertain significance for Hereditary cancer-predisposing syndrome. Last evaluated: 2026-01-09. Review status: criteria provided, single submitter. Criteria: Ambry Variant Classification Scheme 2023. Collection method: clinical testing. Allele origin: germline.
Comment: The c.3942delG variant, located in coding exon 31 of the POLE gene, results from a deletion of one nucleotide at nucleotide position 3942, causing a translational frameshift with a predicted alternate stop codon (p.L1315Wfs*46). This alteration is expected to result in loss of function by premature protein truncation or nonsense-mediated mRNA decay. Although biallelic loss of function of POLE has been associated with autosomal recessive POLE deficiency, haploinsufficiency of POLE has not been established as a mechanism of disease for POLE-related polymerase proofreading-associated polyposis (PPAP) and POLE-related CMMRD-like syndrome. Based on the supporting evidence, this variant is expected to be causative of POLE deficiency when present along with a second pathogenic variant on the other allele; however, its clinical significance for PPAP and POLE-related CMMRD-like syndrome is unclear.